The following is an entry in ClinVar:

ClinVar aggregate classification (germline): Uncertain significance (1 of 4 stars; one submission).

Allele frequency attached by ClinVar (database versions not stated): gnomAD exomes 0.00013; ESP Exome Variant Server 0.00015; gnomAD 0.00015 and 0.00018; TOPMed 0.00015; ExAC 0.00016.
gnomAD v4.1: 493 of 1,614,014 alleles (0.031%); highest among the groups gnomAD compares: Non-Finnish European, 0.038%; 2 homozygotes.

Submission:

Labcorp Genetics (formerly Invitae), Labcorp
Classification: Uncertain significance. Last evaluated: 2024-07-23. Review status: criteria provided, single submitter. Criteria: Invitae Variant Classification Sherloc (09022015). Collection method: clinical testing. Allele origin: germline.
Comment: This sequence change replaces alanine, which is neutral and non-polar, with threonine, which is neutral and polar, at codon 305 of the SHPK protein (p.Ala305Thr). This variant is present in population databases (rs140777774, gnomAD 0.02%). This variant has not been reported in the literature in individuals affected with SHPK-related conditions. ClinVar contains an entry for this variant (Variation ID: 1399470). An algorithm developed to predict the effect of missense changes on protein structure and function outputs the following: PolyPhen-2: "Benign". The threonine amino acid residue is found in multiple mammalian species, which suggests that this missense change does not adversely affect protein function. Algorithms developed to predict the effect of sequence changes on RNA splicing suggest that this variant may create or strengthen a splice site. In summary, the available evidence is currently insufficient to determine the role of this variant in disease. Therefore, it has been classified as a Variant of Uncertain Significance.

NM_013276.4(SHPK):c.913G>A (p.Ala305Thr)

Gene: SHPK (sedoheptulokinase; minus strand). Cytogenetic location: 17p13.2.
Variant type: single nucleotide variant.
Coding change: c.913G>A on transcript NM_013276.4 (MANE Select); coding-DNA position 913, G replaced by A.
Protein change: p.Ala305Thr; replaces alanine 305 with threonine.
Molecular consequence: missense variant.
Genome position (GRCh38, 1-based): chr17:3,615,448, C>T on the plus strand (G>A on the coding strand, the complement: SHPK is on the minus strand). VCF-style: chr17-3615448-C-T. GRCh37 (hg19) VCF-style: chr17-3518742-C-T.
Other names: short protein forms A305T.
Identifiers: ClinVar variation 1399470 (VCV001399470.8), dbSNP rs140777774, ClinGen allele CA8291179.